The following is an entry in ClinVar:

NM_000289.6(PFKM):c.817C>A (p.Pro273Thr)

Gene: PFKM (phosphofructokinase, muscle; plus strand). Cytogenetic location: 12q13.11.
Variant type: single nucleotide variant.
Coding change: c.817C>A on transcript NM_000289.6 (MANE Select); coding-DNA position 817, C replaced by A.
Protein change: p.Pro273Thr; replaces proline 273 with threonine.
Molecular consequence: missense variant. On other transcripts: non-coding transcript variant (6).
Genome position (GRCh38, 1-based): chr12:48,135,012, C>A. VCF-style: chr12-48135012-C-A. GRCh37 (hg19) VCF-style: chr12-48528795-C-A.
Other names: c.1030C>A, p.Pro344Thr (NM_001166686.2, NM_001354737.1, NM_001354738.1 and 1 more transcripts); c.817C>A, p.Pro273Thr (NM_001166687.2, NM_001166688.2, NM_001354742.2 and 4 more transcripts); c.1126C>A, p.Pro376Thr (NM_001354735.1, NM_001354736.1); c.961C>A, p.Pro321Thr (NM_001354740.1); c.841C>A, p.Pro281Thr (NM_001354741.2); c.730C>A, p.Pro244Thr (NM_001354745.2); c.667C>A, p.Pro223Thr (NM_001354747.2, NM_001354748.2); short protein forms P273T, P344T, P223T, P244T, P281T, P321T, P376T.
Identifiers: ClinVar variation 423154 (VCV000423154.4), dbSNP rs576835893, ClinGen allele CA6537107.
Genomic context (GRCh38, chr12:48,135,012, plus strand): 5'-CGTGGTTCTCGTCTCAACATCATCATTGTGGCTGAGGGTGCAATTGACAAGAATGGAAAA[C>A]CAATCACCTCAGAAGACATCAAGAATGTTCGTATGAATGAAGCCAGAGAGGCCTTAGAAT-3'
Protein context (NP_000280.1, residues 263-283): AEGAIDKNGK[Pro273Thr]ITSEDIKNLV

ClinVar aggregate classification (germline): Uncertain significance. Review status: criteria provided, multiple submitters, no conflicts (2 of 4 stars). 3 submissions from 3 submitters: Uncertain significance (2). 1 of the submissions does not count toward it. Last evaluated 2021-08-23.

Conditions:
Glycogen storage disease, type VII (GSD7). Also called: TARUI DISEASE; GSD VII; MUSCLE PHOSPHOFRUCTOKINASE DEFICIENCY; PFKM DEFICIENCY. Identifiers: Orphanet 371, MedGen C0017926, MONDO:0009295, OMIM 232800.

Allele frequency attached by ClinVar (database versions not stated): gnomAD 0.00001; gnomAD exomes 0.00002 and 0.00006; TOPMed 0.00002; ExAC 0.00005; 1000 Genomes Project 30x 0.00016; 1000 Genomes Project 0.00020.
gnomAD v4.1: 83 of 1,613,540 alleles (0.0051%); highest among the groups gnomAD compares: Non-Finnish European, 0.0068%; no homozygotes.

Submissions (3):

Department of Pathology and Laboratory Medicine, Sinai Health System
Classification: Uncertain significance for Glycogen storage disease, type VII. Last evaluated: 2021-08-23. Review status: criteria provided, single submitter. Criteria: ACMG Guidelines, 2015. Collection method: research. Allele origin: germline.

GeneDx
Classification: Uncertain significance. Last evaluated: 2017-02-01. Review status: criteria provided, single submitter. Criteria: GeneDx Variant Classification (06012015). Collection method: clinical testing. Allele origin: germline. Affected: yes.
Comment: The P273T variant in the PFKM gene has not been reported previously as a pathogenic variant, nor as a benign variant, to our knowledge. The P273T variant is not observed at a significant frequency in large population cohorts (Lek et al., 2016; 1000 Genomes Consortium et al., 2015; Exome Variant Server). The P273T variant is a non-conservative amino acid substitution, which is likely to impact secondary protein structure as these residues differ in polarity, charge, size and/or other properties. This substitution occurs at a position that is conserved across species. In silico analysis predicts this variant is probably damaging to the protein structure/function. We interpret P273T as a variant of uncertain significance.

Natera, Inc.
Classification: Uncertain significance for Glycogen storage disease type VII. Last evaluated: 2019-10-28. Review status: no assertion criteria provided. Collection method: clinical testing. Allele origin: germline. Not counted in ClinVar's aggregate classification.